The following is an entry in ClinVar:

NM_006017.3(PROM1):c.429G>T (p.Met143Ile)

Gene: PROM1 (prominin 1; minus strand). Cytogenetic location: 4p15.32.
Variant type: single nucleotide variant.
Coding change: c.429G>T on transcript NM_006017.3 (MANE Select); coding-DNA position 429, G replaced by T.
Protein change: p.Met143Ile; replaces methionine 143 with isoleucine.
Molecular consequence: missense variant.
Genome position (GRCh38, 1-based): chr4:16,033,384, C>A on the plus strand (G>T on the coding strand, the complement: PROM1 is on the minus strand). VCF-style: chr4-16033384-C-A. GRCh37 (hg19) VCF-style: chr4-16035007-C-A.
Other names: c.402G>T, p.Met134Ile (NM_001145847.2, NM_001145848.2, NM_001145851.2 and 4 more transcripts); c.429G>T, p.Met143Ile (NM_001145849.2, NM_001145850.2); short protein forms M143I, M134I.
Identifiers: ClinVar variation 1994029 (VCV001994029.4), dbSNP rs1024611009, ClinGen allele CA92573086.

ClinVar aggregate classification (germline): Uncertain significance (1 of 4 stars; one submission).

Submission:

Labcorp Genetics (formerly Invitae), Labcorp
Classification: Uncertain significance. Last evaluated: 2022-05-29. Review status: criteria provided, single submitter. Criteria: Invitae Variant Classification Sherloc (09022015). Collection method: clinical testing. Allele origin: germline.
Comment: In summary, the available evidence is currently insufficient to determine the role of this variant in disease. Therefore, it has been classified as a Variant of Uncertain Significance. This sequence change replaces methionine, which is neutral and non-polar, with isoleucine, which is neutral and non-polar, at codon 143 of the PROM1 protein (p.Met143Ile). This variant is not present in population databases (gnomAD no frequency). This variant has not been reported in the literature in individuals affected with PROM1-related conditions. Algorithms developed to predict the effect of missense changes on protein structure and function are either unavailable or do not agree on the potential impact of this missense change (SIFT: "Tolerated"; PolyPhen-2: "Probably Damaging"; Align-GVGD: "Class C0").